The following is an entry in ClinVar:

ClinVar aggregate classification (germline): Uncertain significance. Review status: criteria provided, multiple submitters, no conflicts (2 of 4 stars). 2 submissions from 2 submitters: Uncertain significance (2). Last evaluated 2024-09-13.

Conditions:
Familial sleep-related hypermotor epilepsy. Also called: Autosomal Dominant Sleep-Related Hypermotor (Hyperkinetic) Epilepsy. Identifiers: Orphanet 98784, MedGen C3696898, MONDO:0000030.

Allele frequency attached by ClinVar (database versions not stated): gnomAD exomes 0.00001.
gnomAD v4.1: 5 of 1,614,120 alleles (0.00031%); highest among the groups gnomAD compares: Non-Finnish European, 0.00042%; no homozygotes.

Submissions (2):

GeneDx
Classification: Uncertain significance. Last evaluated: 2024-09-13. Review status: criteria provided, single submitter. Criteria: GeneDx Variant Classification Process June 2021. Collection method: clinical testing. Allele origin: germline.
Comment: Not observed at significant frequency in large population cohorts (gnomAD); In silico analysis supports that this missense variant has a deleterious effect on protein structure/function; Has not been previously published as pathogenic or benign to our knowledge

Labcorp Genetics (formerly Invitae), Labcorp
Classification: Uncertain significance. Last evaluated: 2019-12-11. Review status: criteria provided, single submitter. Criteria: Invitae Variant Classification Sherloc (09022015). Collection method: clinical testing. Allele origin: germline.
Comment: This sequence change replaces phenylalanine with serine at codon 162 of the CHRNB2 protein (p.Phe162Ser). The phenylalanine residue is highly conserved and there is a large physicochemical difference between phenylalanine and serine. In summary, the available evidence is currently insufficient to determine the role of this variant in disease. Therefore, it has been classified as a Variant of Uncertain Significance. Algorithms developed to predict the effect of missense changes on protein structure and function are either unavailable or do not agree on the potential impact of this missense change (SIFT: "Deleterious"; PolyPhen-2: "Probably Damaging"; Align-GVGD: "Class C0"). This variant has not been reported in the literature in individuals with CHRNB2-related conditions. This variant is not present in population databases (ExAC no frequency).

NM_000748.3(CHRNB2):c.485T>C (p.Phe162Ser)

Gene: CHRNB2 (cholinergic receptor nicotinic beta 2 subunit; plus strand). Cytogenetic location: 1q21.3.
Variant type: single nucleotide variant.
Coding change: c.485T>C on transcript NM_000748.3 (MANE Select); coding-DNA position 485, T replaced by C.
Protein change: p.Phe162Ser; replaces phenylalanine 162 with serine.
Molecular consequence: missense variant.
Genome position (GRCh38, 1-based): chr1:154,571,308, T>C. VCF-style: chr1-154571308-T-C. GRCh37 (hg19) VCF-style: chr1-154543784-T-C.
Other names: short protein forms F162S.
Identifiers: ClinVar variation 853298 (VCV000853298.11), dbSNP rs1696160348, ClinGen allele CA342630133.
Genomic context (GRCh38, chr1:154,571,308, plus strand): 5'-GCATCTTCTGGCTGCCGCCTGCCATCTACAAGAGCGCATGCAAGATTGAAGTAAAGCACT[T>C]CCCATTTGACCAGCAGAACTGCACCATGAAGTTCCGTTCGTGGACCTACGACCGCACAGA-3'
Protein context (NP_000739.1, residues 152-172): KSACKIEVKH[Phe162Ser]PFDQQNCTMK